The following is an entry in ClinVar:

NM_001128.6(AP1G1):c.2008G>A (p.Ala670Thr)

Gene: AP1G1 (adaptor related protein complex 1 subunit gamma 1; minus strand). Cytogenetic location: 16q22.2.
Variant type: single nucleotide variant.
Coding change: c.2008G>A on transcript NM_001128.6 (MANE Select); coding-DNA position 2008, G replaced by A.
Protein change: p.Ala670Thr; replaces alanine 670 with threonine.
Molecular consequence: missense variant.
Genome position (GRCh38, 1-based): chr16:71,739,333, C>T on the plus strand (G>A on the coding strand, the complement: AP1G1 is on the minus strand). VCF-style: chr16-71739333-C-T. GRCh37 (hg19) VCF-style: chr16-71773236-C-T.
Other names: c.2017G>A, p.Ala673Thr (NM_001030007.2); short protein forms A670T, A673T.
Identifiers: ClinVar variation 3390789 (VCV003390789.2).
Genomic context (GRCh38, chr16:71,739,333, plus strand): 5'-CATCCAACAAGAAGGGGGGCTGGGATATCTGTGGGACTGAGGCAGGGGCAGGAGCAGCAG[C>T]TGGAGCACCTAAAGGAAATATTTTAATGGAAAGTTAACCTTAGGCAGCATGACAAAGCTT-3'
Protein context (NP_001119.3, residues 660-680): LGDINLTGAP[Ala670Thr]AAPAPASVPQ

ClinVar aggregate classification (germline): Uncertain significance (1 of 4 stars; one submission).

gnomAD v4.1: 3 of 1,598,300 alleles (0.00019%); highest among the groups gnomAD compares: Non-Finnish European, 0.00026%; no homozygotes.

Submission:

GeneDx
Classification: Uncertain significance. Last evaluated: 2025-11-06. Review status: criteria provided, single submitter. Criteria: GeneDx Variant Classification Process June 2021. Collection method: clinical testing. Allele origin: germline.
Comment: In silico analysis suggests that this missense variant does not alter protein structure/function; Has not been previously published as pathogenic or benign to our knowledge